The following is an entry in ClinVar:

ClinVar aggregate classification (germline): Uncertain significance (1 of 4 stars; one submission).

gnomAD v4.1: 3 of 1,614,178 alleles (0.00019%); highest among the groups gnomAD compares: Non-Finnish European, 0.00025%; no homozygotes.

Submission:

Ambry Genetics
Classification: Uncertain significance. Last evaluated: 2025-04-03. Review status: criteria provided, single submitter. Criteria: Ambry Variant Classification Scheme 2023. Collection method: clinical testing. Allele origin: germline.
Comment: The p.E1082G variant (also known as c.3245A>G), located in coding exon 1 of the TET2 gene, results from an A to G substitution at nucleotide position 3245. The glutamic acid at codon 1082 is replaced by glycine, an amino acid with similar properties. This amino acid position is conserved. In addition, the in silico prediction for this alteration is inconclusive. Based on the available evidence, the clinical significance of this variant remains unclear.

NM_001127208.3(TET2):c.3245A>G (p.Glu1082Gly)

Genes: TET2 (tet methylcytosine dioxygenase 2; plus strand), TET2-AS1 (TET2 antisense RNA 1; minus strand). Cytogenetic location: 4q24.
Variant type: single nucleotide variant.
Coding change: c.3245A>G on transcript NM_001127208.3 (MANE Select); coding-DNA position 3245, A replaced by G.
Protein change: p.Glu1082Gly; replaces glutamic acid 1082 with glycine.
Molecular consequence: missense variant.
Genome position (GRCh38, 1-based): chr4:105,237,187, A>G. VCF-style: chr4-105237187-A-G. GRCh37 (hg19) VCF-style: chr4-106158344-A-G.
Other names: c.3245A>G, p.Glu1082Gly (NM_017628.4); short protein forms E1082G.
Identifiers: ClinVar variation 3967524 (VCV003967524.1).